The following is an entry in ClinVar:

ClinVar aggregate classification (germline): Uncertain significance (1 of 4 stars; one submission).

gnomAD v4.1: 15 of 1,614,036 alleles (0.00093%); highest among the groups gnomAD compares: South Asian, 0.016%; no homozygotes.

Submission:

Labcorp Genetics (formerly Invitae), Labcorp
Classification: Uncertain significance. Last evaluated: 2025-12-19. Review status: criteria provided, single submitter. Criteria: Invitae Variant Classification Sherloc (09022015). Collection method: clinical testing. Allele origin: germline.
Comment: This sequence change replaces arginine, which is basic and polar, with serine, which is neutral and polar, at codon 183 of the FGF20 protein (p.Arg183Ser). This variant is present in population databases (rs767173525, gnomAD 0.02%). This variant has not been reported in the literature in individuals affected with FGF20-related conditions. An algorithm developed to predict the effect of missense changes on protein structure and function (PolyPhen-2) suggests that this variant is likely to be disruptive. In summary, the available evidence is currently insufficient to determine the role of this variant in disease. Therefore, it has been classified as a Variant of Uncertain Significance.

NM_019851.3(FGF20):c.549G>T (p.Arg183Ser)

Gene: FGF20 (fibroblast growth factor 20; minus strand). Cytogenetic location: 8p22.
Variant type: single nucleotide variant.
Coding change: c.549G>T on transcript NM_019851.3 (MANE Select); coding-DNA position 549, G replaced by T.
Protein change: p.Arg183Ser; replaces arginine 183 with serine.
Molecular consequence: missense variant.
Genome position (GRCh38, 1-based): chr8:16,993,159, C>A on the plus strand (G>T on the coding strand, the complement: FGF20 is on the minus strand). VCF-style: chr8-16993159-C-A. GRCh37 (hg19) VCF-style: chr8-16850668-C-A.
Other names: short protein forms R183S.
Identifiers: ClinVar variation 4769979 (VCV004769979.1).